The following is an entry in ClinVar:

NM_002180.3(IGHMBP2):c.1537+88G>A

Gene: IGHMBP2 (immunoglobulin mu DNA binding protein 2; plus strand). Cytogenetic location: 11q13.3.
Variant type: single nucleotide variant.
Coding change: c.1537+88G>A on transcript NM_002180.3 (MANE Select); 88 bases into the intron after coding-DNA position 1537, G replaced by A.
Molecular consequence: intron variant.
Genome position (GRCh38, 1-based): chr11:68,934,001, G>A. VCF-style: chr11-68934001-G-A. GRCh37 (hg19) VCF-style: chr11-68701469-G-A.
Identifiers: ClinVar variation 496692 (VCV000496692.4), dbSNP rs1555247438, ClinGen allele CA654376506.

ClinVar aggregate classification (germline): Uncertain significance (1 of 4 stars; one submission).

Conditions:
Autosomal recessive distal spinal muscular atrophy 1. Also called: NEURONOPATHY, SEVERE INFANTILE AXONAL, WITH RESPIRATORY FAILURE; SEVERE INFANTILE AXONAL NEUROPATHY WITH RESPIRATORY FAILURE; SPINAL MUSCULAR ATROPHY, DIAPHRAGMATIC; Spinal muscular atrophy with respiratory distress 1; NEURONOPATHY, DISTAL HEREDITARY MOTOR, HARDING TYPE VI; NEUROPATHY, DISTAL HEREDITARY MOTOR, AUTOSOMAL RECESSIVE 1. Identifiers: Orphanet 98920, MedGen C1858517, MONDO:0011436, OMIM 604320.

Allele frequency attached by ClinVar (database versions not stated): TOPMed below 0.00001; gnomAD 0.00001; gnomAD exomes 0.00001.
gnomAD v4.1: 10 of 943,898 alleles (0.0011%); highest among the groups gnomAD compares: East Asian, 0.011%; no homozygotes.

Submission:

Service de Pédiatrie - Neurologie et infectiologie - Toulouse, CHU de Toulouse - Hôpital des Enfants
Classification: Uncertain significance for Autosomal recessive distal spinal muscular atrophy 1. Last evaluated: 2018-01-21. Review status: criteria provided, single submitter. Criteria: ACMG Guidelines, 2015. Collection method: case-control. Allele origin: unknown. Inheritance: Autosomal recessive inheritance. Affected: yes. Observed: 1 variant allele, 1 compound heterozygote.
Comment: Never published in databases. It is a deep intronic mutation probably affecting a splice donor site, which dysfunction might generate a premature codon stop. It occurs at the middle in the sequence: in the intron 10, for a total of 15 exons. It is located in the main functional domain of the protein IGHMB2 the "DNA helicase domain", at a specific location where ATP binding sites are concentrated (region 2A).